The following is an entry in ClinVar:

NM_002693.3(POLG):c.581C>T (p.Ala194Val)

Genes: POLGARF (POLG alternative reading frame; minus strand), POLG (DNA polymerase gamma, catalytic subunit; minus strand). Cytogenetic location: 15q26.1.
Variant type: single nucleotide variant.
Coding change: c.581C>T on transcript NM_002693.3 (MANE Select); coding-DNA position 581, C replaced by T.
Protein change: p.Ala194Val; replaces alanine 194 with valine.
Molecular consequence: missense variant.
Genome position (GRCh38, 1-based): chr15:89,333,174, G>A on the plus strand (C>T on the coding strand, the complement: POLG is on the minus strand). VCF-style: chr15-89333174-G-A. GRCh37 (hg19) VCF-style: chr15-89876405-G-A.
Other names: p.A194V:GCC>GTC; c.581C>T, p.Ala194Val (NM_001126131.2); short protein forms A194V.
Identifiers: ClinVar variation 206493 (VCV000206493.17), dbSNP rs779122022, ClinGen allele CA316636.

ClinVar aggregate classification (germline): Conflicting classifications of pathogenicity. Review status: criteria provided, conflicting classifications (1 of 4 stars). 4 submissions from 4 submitters: Uncertain significance (3); Likely benign (1). Last evaluated 2026-01-21.

Conditions:
Inborn genetic diseases. Identifiers: MedGen C0950123, MeSH D030342.
Progressive sclerosing poliodystrophy (MTDPS4A). Also called: ALPERS DIFFUSE DEGENERATION OF CEREBRAL GRAY MATTER WITH HEPATIC CIRRHOSIS; Alpers-Huttenlocher Syndrome; ALPERS PROGRESSIVE INFANTILE POLIODYSTROPHY; NEURONAL DEGENERATION OF CHILDHOOD WITH LIVER DISEASE, PROGRESSIVE; Mitochondrial DNA Depletion Syndrome 4A; Alpers-Huttenlocher Syndrome (AHS). Identifiers: Orphanet 726, MedGen C0205710, MONDO:0008758, OMIM 203700.

Allele frequency attached by ClinVar (database versions not stated): TOPMed below 0.00001; gnomAD exomes 0.00001; ExAC 0.00004.
gnomAD v4.1: 8 of 1,564,300 alleles (0.00051%); highest among the groups gnomAD compares: Admixed American, 0.0056%; no homozygotes.

Submissions (4):

Labcorp Genetics (formerly Invitae), Labcorp
Classification: Uncertain significance for Progressive sclerosing poliodystrophy. Last evaluated: 2026-01-21. Review status: criteria provided, single submitter. Criteria: Invitae Variant Classification Sherloc (09022015). Collection method: clinical testing. Allele origin: germline.
Comment: This sequence change replaces alanine, which is neutral and non-polar, with valine, which is neutral and non-polar, at codon 194 of the POLG protein (p.Ala194Val). The frequency data for this variant in the population databases is considered unreliable, as metrics indicate poor data quality at this position in the gnomAD database. This variant has not been reported in the literature in individuals affected with POLG-related conditions. ClinVar contains an entry for this variant (Variation ID: 206493). Invitae Evidence Modeling of protein sequence and biophysical properties (such as structural, functional, and spatial information, amino acid conservation, physicochemical variation, residue mobility, and thermodynamic stability) has been performed for this missense variant. However, the output from this modeling did not meet the statistical confidence thresholds required to predict the impact of this variant on POLG protein function. In summary, the available evidence is currently insufficient to determine the role of this variant in disease. Therefore, it has been classified as a Variant of Uncertain Significance.

Ambry Genetics
Classification: Uncertain significance for Inborn genetic diseases. Last evaluated: 2020-03-26. Review status: criteria provided, single submitter. Criteria: Ambry Variant Classification Scheme 2023. Collection method: clinical testing. Allele origin: germline.
Comment: The p.A194V variant (also known as c.581C>T), located in coding exon 1 of the POLG gene, results from a C to T substitution at nucleotide position 581. The alanine at codon 194 is replaced by valine, an amino acid with similar properties. This alteration was detected once as heterozygous in an individual with inclusion body myositis (IBM) (Lindgren U et al. Neuromuscul. Disord., 2015 Apr;25:281-8). This amino acid position is well conserved in available vertebrate species. In addition, the in silico prediction for this alteration is inconclusive. Since supporting evidence is limited at this time, the clinical significance of this alteration remains unclear.

Eurofins Ntd Llc (ga)
Classification: Uncertain significance. Last evaluated: 2017-06-16. Review status: criteria provided, single submitter. Criteria: EGL Classification Definitions 2015. Collection method: clinical testing. Allele origin: germline. Observed: 1 variant allele, 1 heterozygote.

GeneDx
Classification: Likely benign. Last evaluated: 2012-08-08. Review status: criteria provided, single submitter. Criteria: GeneDx Variant Classification (06012015). Collection method: clinical testing. Allele origin: germline. Affected: yes.
Comment: This variant is considered likely benign or benign based on one or more of the following criteria: it is a conservative change, it occurs at a poorly conserved position in the protein, it is predicted to be benign by multiple in silico algorithms, and/or has population frequency not consistent with disease.

Literature cited by the submitters: PubMed 25638290 (cited by Ambry Genetics).